The following is an entry in ClinVar:

ClinVar aggregate classification (germline): Uncertain significance (1 of 4 stars; one submission).

Conditions:
FG syndrome (FGS). Identifiers: MedGen C0220769, MONDO:0002010.

Submission:

Labcorp Genetics (formerly Invitae), Labcorp
Classification: Uncertain significance for FG syndrome. Last evaluated: 2023-05-29. Review status: criteria provided, single submitter. Criteria: Invitae Variant Classification Sherloc (09022015). Collection method: clinical testing. Allele origin: germline.
Comment: This sequence change replaces threonine, which is neutral and polar, with isoleucine, which is neutral and non-polar, at codon 368 of the MED12 protein (p.Thr368Ile). This variant is not present in population databases (gnomAD no frequency). This variant has not been reported in the literature in individuals affected with MED12-related conditions. An algorithm developed to predict the effect of missense changes on protein structure and function (PolyPhen-2) suggests that this variant is likely to be tolerated. Algorithms developed to predict the effect of sequence changes on RNA splicing suggest that this variant may create or strengthen a splice site. In summary, the available evidence is currently insufficient to determine the role of this variant in disease. Therefore, it has been classified as a Variant of Uncertain Significance.

NM_005120.3(MED12):c.1103C>T (p.Thr368Ile)

Gene: MED12 (mediator complex subunit 12; plus strand). Cytogenetic location: Xq13.1.
Variant type: single nucleotide variant.
Coding change: c.1103C>T on transcript NM_005120.3 (MANE Select); coding-DNA position 1103, C replaced by T.
Protein change: p.Thr368Ile; replaces threonine 368 with isoleucine.
Molecular consequence: missense variant.
Genome position (GRCh38, 1-based): chrX:71,122,201, C>T. VCF-style: chrX-71122201-C-T. GRCh37 (hg19) VCF-style: chrX-70342051-C-T.
Other names: short protein forms T368I.
Identifiers: ClinVar variation 2747297 (VCV002747297.3), dbSNP rs2147781725, ClinGen allele CA413505391.